The following is an entry in ClinVar:

NM_000133.4(F9):c.364G>A (p.Gly122Arg)

Gene: F9 (coagulation factor IX; plus strand). Cytogenetic location: Xq27.1.
Variant type: single nucleotide variant.
Coding change: c.364G>A on transcript NM_000133.4 (MANE Select); coding-DNA position 364, G replaced by A.
Protein change: p.Gly122Arg; replaces glycine 122 with arginine.
Molecular consequence: missense variant. On other transcripts: intron variant (1).
Genome position (GRCh38, 1-based): chrX:139,541,162, G>A. VCF-style: chrX-139541162-G-A. GRCh37 (hg19) VCF-style: chrX-138623321-G-A.
Other names: c.277+3776G>A (NM_001313913.2); short protein forms G122R.
Identifiers: ClinVar variation 1026859 (VCV001026859.8), dbSNP rs770120402, ClinGen allele CA414437810.

ClinVar aggregate classification (germline): Uncertain significance (1 of 4 stars; one submission).

Conditions:
Thrombophilia, X-linked, due to factor 9 defect. Identifiers: MedGen C2749016, MONDO:0010432, OMIM 300807.
Hereditary factor IX deficiency disease (HEMB). Also called: F9 DEFICIENCY; FACTOR IX DEFICIENCY; Hemophilia B; Christmas Disease; PLASMA THROMBOPLASTIN COMPONENT DEFICIENCY. Identifiers: Orphanet 98879, MedGen C0008533, MeSH D002836, MONDO:0010604, OMIM 306900.

Submission:

Labcorp Genetics (formerly Invitae), Labcorp
Classification: Uncertain significance for Thrombophilia, X-linked, due to factor 9 defect; Hereditary factor IX deficiency disease. Last evaluated: 2020-06-08. Review status: criteria provided, single submitter. Criteria: Invitae Variant Classification Sherloc (09022015). Collection method: clinical testing. Allele origin: germline.
Comment: Algorithms developed to predict the effect of missense changes on protein structure and function are either unavailable or do not agree on the potential impact of this missense change (SIFT: "Tolerated"; PolyPhen-2: "Probably Damaging"; Align-GVGD: "Class C0"). Algorithms developed to predict the effect of sequence changes on RNA splicing suggest that this variant may create or strengthen a splice site, but this prediction has not been confirmed by published transcriptional studies. This variant disrupts the p.Gly122 amino acid residue in F9. Other variant(s) that disrupt this residue have been observed in individuals with F9-related conditions (PMID: 7937052), which suggests that this may be a clinically significant amino acid residue. In summary, the available evidence is currently insufficient to determine the role of this variant in disease. Therefore, it has been classified as a Variant of Uncertain Significance. This variant has been observed in individual(s) with F9-related conditions (PMID: 8594556). This variant is also known as G10478A in the literature. This variant is not present in population databases (ExAC no frequency). This sequence change replaces glycine with arginine at codon 122 of the F9 protein (p.Gly122Arg). The glycine residue is highly conserved and there is a moderate physicochemical difference between glycine and arginine.

Literature cited by the submitters: PubMed 7937052; PubMed 8594556.